The following is an entry in ClinVar:

NM_001042750.2(STAG2):c.1720T>G (p.Leu574Val)

Gene: STAG2 (STAG2 cohesin complex component; plus strand). Cytogenetic location: Xq25.
Variant type: single nucleotide variant.
Coding change: c.1720T>G on transcript NM_001042750.2 (MANE Select); coding-DNA position 1720, T replaced by G.
Protein change: p.Leu574Val; replaces leucine 574 with valine.
Molecular consequence: missense variant.
Genome position (GRCh38, 1-based): chrX:124,062,983, T>G. VCF-style: chrX-124062983-T-G. GRCh37 (hg19) VCF-style: chrX-123196833-T-G.
Other names: c.1720T>G, p.Leu574Val (NM_001042749.2, NM_001042751.2, NM_001282418.2 and 13 more transcripts); short protein forms L574V.
Identifiers: ClinVar variation 3392594 (VCV003392594.3).

ClinVar aggregate classification (germline): Uncertain significance (1 of 4 stars; one submission).

Submission:

GeneDx
Classification: Uncertain significance. Last evaluated: 2026-10-01. Review status: criteria provided, single submitter. Criteria: GeneDx Variant Classification Process June 2021. Collection method: clinical testing. Allele origin: germline.
Comment: Not observed at significant frequency in large population cohorts (gnomAD); In silico analysis supports that this missense variant has a deleterious effect on protein structure/function; In silico analysis supports a deleterious effect on splicing; Has not been previously published as pathogenic or benign to our knowledge